The following is an entry in ClinVar:

NM_005609.4(PYGM):c.2107G>A (p.Glu703Lys)

Gene: PYGM (glycogen phosphorylase, muscle associated; minus strand). Cytogenetic location: 11q13.1.
Variant type: single nucleotide variant.
Coding change: c.2107G>A on transcript NM_005609.4 (MANE Select); coding-DNA position 2107, G replaced by A.
Protein change: p.Glu703Lys; replaces glutamic acid 703 with lysine.
Molecular consequence: missense variant.
Genome position (GRCh38, 1-based): chr11:64,750,446, C>T on the plus strand (G>A on the coding strand, the complement: PYGM is on the minus strand). VCF-style: chr11-64750446-C-T. GRCh37 (hg19) VCF-style: chr11-64517918-C-T.
Other names: c.1843G>A, p.Glu615Lys (NM_001164716.1); c.2107G>A (NM_005609.2); short protein forms E615K, E703K.
Identifiers: ClinVar variation 992137 (VCV000992137.4), dbSNP rs984250045, ClinGen allele CA223897759.
Genomic context (GRCh38, chr11:64,750,446, plus strand): 5'-CAAGCTTATCCACATCCTCCACCCGCATGCCAAAGATGAAGAAGTTTTCCTCTCCCGCCT[C>T]TTCTGCCATCTCCACATTGGCCCCGTCCATGGTGCCAATGGTCAGAGCCCCGTTGAGCAT-3'
Protein context (NP_005600.1, residues 693-713): MDGANVEMAE[Glu703Lys]AGEENFFIFG

ClinVar aggregate classification (germline): Uncertain significance. Review status: criteria provided, multiple submitters, no conflicts (2 of 4 stars). 4 submissions from 4 submitters: Uncertain significance (3). 1 of the submissions does not count toward it. Last evaluated 2025-06-25.

Conditions:
Inborn genetic diseases. Identifiers: MedGen C0950123, MeSH D030342.
Glycogen storage disease, type V (GSD5). Also called: MCARDLE DISEASE; MUSCLE GLYCOGEN PHOSPHORYLASE DEFICIENCY; MYOPHOSPHORYLASE DEFICIENCY; PYGM DEFICIENCY; McArdle type glycogen storage disease. Identifiers: Orphanet 368, MedGen C0017924, MONDO:0009293, OMIM 232600.

Allele frequency attached by ClinVar (database versions not stated): gnomAD exomes below 0.00001 and 0.00001; gnomAD 0.00001 and 0.00002; TOPMed 0.00005.
gnomAD v4.1: 15 of 1,614,092 alleles (0.00093%); highest among the groups gnomAD compares: African/African-American, 0.0093%; no homozygotes.

Submissions (4):

Ambry Genetics
Classification: Uncertain significance for Inborn genetic diseases. Last evaluated: 2025-06-25. Review status: criteria provided, single submitter. Criteria: Ambry Variant Classification Scheme 2023. Collection method: clinical testing. Allele origin: germline.

GeneDx
Classification: Uncertain significance. Last evaluated: 2024-08-13. Review status: criteria provided, single submitter. Criteria: GeneDx Variant Classification Process June 2021. Collection method: clinical testing. Allele origin: germline. Affected: yes.
Comment: Not observed at significant frequency in large population cohorts (gnomAD); In silico analysis supports that this missense variant has a deleterious effect on protein structure/function; Has not been previously published as pathogenic or benign to our knowledge

Fulgent Genetics
Classification: Uncertain significance for Glycogen storage disease, type V. Last evaluated: 2024-03-06. Review status: criteria provided, single submitter. Criteria: ACMG Guidelines, 2015. Collection method: clinical testing. Allele origin: germline.

Natera, Inc.
Classification: Uncertain significance for Glycogen storage disease V. Last evaluated: 2020-04-14. Review status: no assertion criteria provided. Collection method: clinical testing. Allele origin: germline. Not counted in ClinVar's aggregate classification.